The following is an entry in ClinVar:

NM_002207.3(ITGA9):c.459C>T (p.Ala153=)

Gene: ITGA9 (integrin subunit alpha 9; plus strand). Cytogenetic location: 3p22.2.
Variant type: single nucleotide variant.
Coding change: c.459C>T on transcript NM_002207.3 (MANE Select); coding-DNA position 459, C replaced by T.
Protein change: p.Ala153=; no amino-acid change (alanine 153 retained).
Molecular consequence: synonymous variant.
Genome position (GRCh38, 1-based): chr3:37,481,522, C>T. VCF-style: chr3-37481522-C-T. GRCh37 (hg19) VCF-style: chr3-37523013-C-T.
Identifiers: ClinVar variation 2672936 (VCV002672936.23), dbSNP rs775857944, ClinGen allele CA2310431.

ClinVar aggregate classification (germline): Likely benign (1 of 4 stars; one submission).

Allele frequency attached by ClinVar (database versions not stated): ExAC 0.00001; gnomAD 0.00001; gnomAD exomes 0.00003.
gnomAD v4.1: 38 of 1,614,046 alleles (0.0024%); highest among the groups gnomAD compares: East Asian, 0.0067%; no homozygotes.

Submission:

CeGaT Center for Human Genetics Tuebingen
Classification: Likely benign. Last evaluated: 2023-11-01. Review status: criteria provided, single submitter. Criteria: CeGaT Center For Human Genetics Tuebingen Variant Classification Criteria Version 2. Collection method: clinical testing. Allele origin: germline. Affected: yes. Observed: 1 variant allele.
Comment: ITGA9: BP4, BP7